The following is an entry in ClinVar:

ClinVar aggregate classification (germline): Likely pathogenic (1 of 4 stars; one submission).

Conditions:
Familial steroid-resistant nephrotic syndrome with sensorineural deafness. Identifiers: Orphanet 280406, MedGen C3553349, MONDO:0013836, OMIM 614650.

gnomAD v4.1: 3 of 1,614,056 alleles (0.00019%); highest among the groups gnomAD compares: East Asian, 0.0067%; no homozygotes.

Submission:

First Genomix Gene Laboratory, Genetic Diagnostics Department
Classification: Likely pathogenic for Familial steroid-resistant nephrotic syndrome with sensorineural deafness. Last evaluated: 2025-05-07. Review status: criteria provided, single submitter. Criteria: ACMG Guidelines, 2015. Collection method: clinical testing. Allele origin: germline. Inheritance: Autosomal recessive inheritance. Affected: no. Observed: 1 variant allele.

NM_182476.3(COQ6):c.685C>T (p.Gln229Ter)

Genes: COQ6 (coenzyme Q6, monooxygenase; plus strand), ENTPD5 (ectonucleoside triphosphate diphosphohydrolase 5; minus strand). Cytogenetic location: 14q24.3.
Variant type: single nucleotide variant.
Coding change: c.685C>T on transcript NM_182476.3 (MANE Select); coding-DNA position 685, C replaced by T.
Protein change: p.Gln229Ter; replaces glutamine 229 with a stop codon.
Molecular consequence: nonsense. On other transcripts: 3 prime UTR variant (3), intron variant (2).
Genome position (GRCh38, 1-based): chr14:73,959,043, C>T. VCF-style: chr14-73959043-C-T. GRCh37 (hg19) VCF-style: chr14-74425746-C-T.
Other names: c.*487G>A (NM_001330189.2, NM_001382259.1, NM_001382260.1); c.1201-3456G>A (NM_001382258.1); c.1201-3215G>A (NM_001382262.1); c.460C>T, p.Gln154Ter (NM_001425261.1, NM_001425259.1, NM_001425260.1); c.430C>T, p.Gln144Ter (NM_001425262.1); c.358C>T, p.Gln120Ter (NM_001425263.1); c.145C>T, p.Gln49Ter (NM_001425264.1, NM_001425265.1); c.610C>T, p.Gln204Ter (NM_182480.3, NM_001425258.1); and 2 more; short protein forms Q120*, Q144*, Q154*, Q174*, Q204*, Q229*, Q49*.
Identifiers: ClinVar variation 4845886 (VCV004845886.1).
Genomic context (GRCh38, chr14:73,959,043, plus strand): 5'-GGTCACAACTCCGGAGTACGGCAGGCTGTTGGAATCCAGAATGTGAGCTGGAACTATGAC[C>T]AGTCTGCTGTTGTGGCTACTCTGCATTTATCAGAGGTAAGATCCTGAGCTGCCATCTGGG-3'